The following is an entry in ClinVar:

ClinVar aggregate classification (germline): Uncertain significance (1 of 4 stars; one submission).

Conditions:
Severe myoclonic epilepsy in infancy (DRVT). Also called: DEVELOPMENTAL AND EPILEPTIC ENCEPHALOPATHY 6A; Severe Myoclonic Epilepsy in Infancy (SMEI); Dravet syndrome; Epileptic encephalopathy, early infantile, 6 (Dravet syndrome); SEVERE MYOCLONIC EPILEPSY OF INFANCY. Identifiers: Orphanet 33069, MedGen C0751122, MONDO:0100135, OMIM 607208.

Submission:

Broad Center for Mendelian Genomics, Broad Institute of MIT and Harvard
Classification: Uncertain significance for Severe myoclonic epilepsy in infancy. Last evaluated: 2023-01-25. Review status: criteria provided, single submitter. Criteria: ACMG Guidelines, 2015. Collection method: curation. Allele origin: germline. Inheritance: Autosomal dominant inheritance.
Comment: Trio exome analysis showed this variant to be de novo. The p.Asn1758IlefsTer20 variant in SCN1A has not been previously reported in individuals with Dravet syndrome. This variant was absent from large population studies. This variant is predicted to cause a frameshift, which alters the protein‚Äôs amino acid sequence beginning at position 1758 and leads to a premature termination codon 20 amino acids downstream. This termination codon occurs within the terminal 50 bases of the last exon and is more likely to escape nonsense mediated decay (NMD) and result in a truncated protein. Heterozygous loss function of the SCN1A gene is strongly associated to Dravet syndrome. In summary, while there is some suspicion for a pathogenic role, the clinical significance of this variant is uncertain. ACMG/AMP Criteria applied: PVS1_Supporting, PS2_Supporting, PM2_Supporting (Richards 2015).

NM_001165963.4(SCN1A):c.5273_5277delinsT (p.Asn1758fs)

Genes: SCN1A (sodium voltage-gated channel alpha subunit 1; minus strand), LOC102724058 (uncharacterized LOC102724058; plus strand). Cytogenetic location: 2q24.3.
Variant type: Indel.
Coding change: c.5273_5277delinsT on transcript NM_001165963.4 (MANE Select); coding-DNA positions 5273 to 5277, ACCCA replaced by T.
Protein change: p.Asn1758fs; shifts the reading frame from asparagine 1758.
Molecular consequence: frameshift variant. On other transcripts: non-coding transcript variant (1).
Genome position (GRCh38, 1-based): chr2:165,991,998-165,992,002, TGGGT replaced by A on the plus strand (ACCCA replaced by T on the coding strand, the reverse complement: SCN1A is on the minus strand). VCF-style: chr2-165991998-TGGGT-A. GRCh37 (hg19) VCF-style: chr2-166848508-TGGGT-A.
Other names: NM_001165963.4:c.5273_5277delinsT; c.5189_5193delinsT, p.Asn1730fs (NM_001165964.3, NM_001353957.2, NM_001353958.2); c.5273_5277delinsT, p.Asn1758fs (NM_001202435.3, NM_001353948.2); c.5240_5244delinsT, p.Asn1747fs (NM_001353949.2, NM_001353950.2, NM_001353951.2 and 2 more transcripts); c.5237_5241delinsT, p.Asn1746fs (NM_001353954.2, NM_001353955.2); c.5186_5190delinsT, p.Asn1729fs (NM_001353960.2); c.2831_2835delinsT, p.Asn944fs (NM_001353961.2); short protein forms N1729fs, N1758fs, N1746fs, N1730fs, N944fs, N1747fs.
Identifiers: ClinVar variation 2412772 (VCV002412772.1), dbSNP rs2468334511, ClinGen allele CA2573332785.